The following is an entry in ClinVar:

NM_012199.5(AGO1):c.2042A>T (p.Glu681Val)

Gene: AGO1 (argonaute RISC component 1; plus strand). Cytogenetic location: 1p34.3.
Variant type: single nucleotide variant.
Coding change: c.2042A>T on transcript NM_012199.5 (MANE Select); coding-DNA position 2042, A replaced by T.
Protein change: p.Glu681Val; replaces glutamic acid 681 with valine.
Molecular consequence: missense variant.
Genome position (GRCh38, 1-based): chr1:35,917,606, A>T. VCF-style: chr1-35917606-A-T. GRCh37 (hg19) VCF-style: chr1-36383207-A-T.
Other names: c.2042A>T (NM_012199.2); c.2042A>T, p.Glu681Val (NM_001317122.2); c.1817A>T, p.Glu606Val (NM_001317123.2); short protein forms E606V, E681V.
Identifiers: ClinVar variation 2497973 (VCV002497973.3), dbSNP rs896742034, ClinGen allele CA20663214.
Genomic context (GRCh38, chr1:35,917,606, plus strand): 5'-AGGAACTGTGTATTTCTTTGTTTCCCTCCCCATTTTTTTGTGCCTAGATACTCCACTATG[A>T]GCTACTGGCCATTCGTGATGCCTGCATCAAACTGGAAAAGGACTACCAGCCTGGGATCAC-3'
Protein context (NP_036331.1, residues 671-691): EGQLPQILHY[Glu681Val]LLAIRDACIK

ClinVar aggregate classification (germline): Uncertain significance. Review status: criteria provided, multiple submitters, no conflicts (2 of 4 stars). 2 submissions from 2 submitters: Uncertain significance (2). Last evaluated 2025-05-09.

Conditions:
Inborn genetic diseases. Identifiers: MedGen C0950123, MeSH D030342.

Allele frequency attached by ClinVar (database versions not stated): gnomAD exomes below 0.00001; TOPMed below 0.00001; gnomAD 0.00001.
gnomAD v4.1: 2 of 1,612,906 alleles (0.00012%); highest among the groups gnomAD compares: Non-Finnish European, 0.00017%; no homozygotes.

Submissions (2):

GeneDx
Classification: Uncertain significance. Last evaluated: 2025-05-09. Review status: criteria provided, single submitter. Criteria: GeneDx Variant Classification Process June 2021. Collection method: clinical testing. Allele origin: germline.
Comment: Not observed at significant frequency in large population cohorts (gnomAD); In silico analysis supports that this missense variant has a deleterious effect on protein structure/function; Has not been previously published as pathogenic or benign to our knowledge

Ambry Genetics
Classification: Uncertain significance for Inborn genetic diseases. Last evaluated: 2024-10-30. Review status: criteria provided, single submitter. Criteria: Ambry Variant Classification Scheme 2023. Collection method: clinical testing. Allele origin: germline.